The following is an entry in ClinVar:

ClinVar aggregate classification (germline): Uncertain significance. Review status: criteria provided, multiple submitters, no conflicts (2 of 4 stars). 2 submissions from 2 submitters: Uncertain significance (2). Last evaluated 2026-08-06.

Conditions:
Spinocerebellar ataxia type 25. Identifiers: Orphanet 101111, MedGen C1837518, MONDO:0012103, OMIM 608703.

Submissions (2):

OLLIN Analises Genomicas, OLLIN
Classification: Uncertain significance for Spinocerebellar ataxia type 25. Last evaluated: 2026-08-06. Review status: criteria provided, single submitter. Criteria: ACMG Guidelines 2015 PMID 25741868. Collection method: clinical testing. Allele origin: germline. Inheritance: Autosomal recessive inheritance.
Comment: This missense variant, located in exon 4 (of 28), is absent from gnomAD and has not been identified in the literature. However, it has been reported in ClinVar (accession VCV002112264.4). In silico analysis predicts that this variant has a tolerated effect. According to the currently available evidence, this variant has been classified as uncertain significance (PM2_P, BP4).

Labcorp Genetics (formerly Invitae), Labcorp
Classification: Uncertain significance. Last evaluated: 2022-03-14. Review status: criteria provided, single submitter. Criteria: Invitae Variant Classification Sherloc (09022015). Collection method: clinical testing. Allele origin: germline.
Comment: This sequence change replaces isoleucine, which is neutral and non-polar, with threonine, which is neutral and polar, at codon 133 of the PNPT1 protein (p.Ile133Thr). In summary, the available evidence is currently insufficient to determine the role of this variant in disease. Therefore, it has been classified as a Variant of Uncertain Significance. Advanced modeling of protein sequence and biophysical properties (such as structural, functional, and spatial information, amino acid conservation, physicochemical variation, residue mobility, and thermodynamic stability) performed at Invitae indicates that this missense variant is not expected to disrupt PNPT1 protein function. This variant has not been reported in the literature in individuals affected with PNPT1-related conditions. This variant is not present in population databases (gnomAD no frequency).

NM_033109.5(PNPT1):c.398T>C (p.Ile133Thr)

Gene: PNPT1 (polyribonucleotide nucleotidyltransferase 1; minus strand). Cytogenetic location: 2p16.1.
Variant type: single nucleotide variant.
Coding change: c.398T>C on transcript NM_033109.5 (MANE Select); coding-DNA position 398, T replaced by C.
Protein change: p.Ile133Thr; replaces isoleucine 133 with threonine.
Molecular consequence: missense variant.
Genome position (GRCh38, 1-based): chr2:55,684,948, A>G on the plus strand (T>C on the coding strand, the complement: PNPT1 is on the minus strand). VCF-style: chr2-55684948-A-G. GRCh37 (hg19) VCF-style: chr2-55912083-A-G.
Other names: short protein forms I133T.
Identifiers: ClinVar variation 2112264 (VCV002112264.5), dbSNP rs2529618318, ClinGen allele CA346940461.
Genomic context (GRCh38, chr2:55,684,948, plus strand): 5'-AGATGCTAACATAGGCATACCAGAGAAGATGAACGCCTCTATGTTAATATCTTACCTATT[A>G]TTCGACTTGTTAGAATTTCTTTATCAGAAGTACCAATCTCTCTTCTCAGATAGTTTGTGG-3'
Protein context (NP_149100.2, residues 123-143): TSDKEILTSR[Ile133Thr]IDRSIRPLFP